The following is an entry in ClinVar:

NM_000287.4(PEX6):c.1555C>T (p.Arg519Cys)

Gene: PEX6 (peroxisomal biogenesis factor 6; minus strand). Cytogenetic location: 6p21.1.
Variant type: single nucleotide variant.
Coding change: c.1555C>T on transcript NM_000287.4 (MANE Select); coding-DNA position 1555, C replaced by T.
Protein change: p.Arg519Cys; replaces arginine 519 with cysteine.
Molecular consequence: missense variant. On other transcripts: non-coding transcript variant (1).
Genome position (GRCh38, 1-based): chr6:42,968,423, G>A on the plus strand (C>T on the coding strand, the complement: PEX6 is on the minus strand). VCF-style: chr6-42968423-G-A. GRCh37 (hg19) VCF-style: chr6-42936161-G-A.
Other names: c.1291C>T, p.Arg431Cys (NM_001316313.2); c.1555C>T (NM_000287.3); short protein forms R519C, R431C.
Identifiers: ClinVar variation 1421224 (VCV001421224.5), dbSNP rs924649541, ClinGen allele CA138225578.

ClinVar aggregate classification (germline): Uncertain significance. Review status: criteria provided, multiple submitters, no conflicts (2 of 4 stars). 2 submissions from 2 submitters: Uncertain significance (2). Last evaluated 2024-11-20.

Conditions:
Inborn genetic diseases. Identifiers: MedGen C0950123, MeSH D030342.
Peroxisome biogenesis disorder. Identifiers: Orphanet 79189, MedGen C1832200, MONDO:0019234. Disease mechanism: loss of function.

Allele frequency attached by ClinVar (database versions not stated): gnomAD exomes 0.00001; gnomAD 0.00002; TOPMed 0.00002.
gnomAD v4.1: 13 of 1,612,632 alleles (0.00081%); highest among the groups gnomAD compares: African/African-American, 0.0067%; no homozygotes.

Submissions (2):

Ambry Genetics
Classification: Uncertain significance for Inborn genetic diseases. Last evaluated: 2024-11-20. Review status: criteria provided, single submitter. Criteria: Ambry Variant Classification Scheme 2023. Collection method: clinical testing. Allele origin: germline.

Labcorp Genetics (formerly Invitae), Labcorp
Classification: Uncertain significance for Peroxisome biogenesis disorder. Last evaluated: 2024-11-18. Review status: criteria provided, single submitter. Criteria: Invitae Variant Classification Sherloc (09022015). Collection method: clinical testing. Allele origin: germline.
Comment: This sequence change replaces arginine, which is basic and polar, with cysteine, which is neutral and slightly polar, at codon 519 of the PEX6 protein (p.Arg519Cys). This variant is present in population databases (no rsID available, gnomAD 0.01%). This variant has not been reported in the literature in individuals affected with PEX6-related conditions. ClinVar contains an entry for this variant (Variation ID: 1421224). Invitae Evidence Modeling of protein sequence and biophysical properties (such as structural, functional, and spatial information, amino acid conservation, physicochemical variation, residue mobility, and thermodynamic stability) indicates that this missense variant is not expected to disrupt PEX6 protein function with a negative predictive value of 80%. In summary, the available evidence is currently insufficient to determine the role of this variant in disease. Therefore, it has been classified as a Variant of Uncertain Significance.